The following is an entry in ClinVar:

ClinVar aggregate classification (germline): Uncertain significance. Review status: criteria provided, multiple submitters, no conflicts (2 of 4 stars). 2 submissions from 2 submitters: Uncertain significance (2). Last evaluated 2025-03-17.

Conditions:
Developmental and epileptic encephalopathy, 33 (DEE33). Also called: Epileptic encephalopathy, early infantile, 33. Identifiers: Orphanet 442835, MedGen C4225337, MONDO:0014625, OMIM 616409.
Intellectual developmental disorder, autosomal dominant 38. Also called: PSYCHOMOTOR RETARDATION, EPILEPSY, AND LANGUAGE DISABILITY SYNDROME; Intellectual disability, autosomal dominant 38. Identifiers: MedGen C4225343, MONDO:0014617, OMIM 616393.

Allele frequency attached by ClinVar (database versions not stated): TOPMed 0.00001; gnomAD 0.00001; gnomAD exomes 0.00001 and below 0.00001.
gnomAD v4.1: 4 of 1,538,760 alleles (0.00026%); highest among the groups gnomAD compares: African/African-American, 0.0014%; no homozygotes.

Submissions (2):

GeneDx
Classification: Uncertain significance. Last evaluated: 2025-03-17. Review status: criteria provided, single submitter. Criteria: GeneDx Variant Classification Process June 2021. Collection method: clinical testing. Allele origin: germline. Affected: yes.
Comment: In silico analysis indicates that this missense variant does not alter protein structure/function; Has not been previously published as pathogenic or benign to our knowledge

New York Genome Center
Classification: Uncertain significance for Developmental and epileptic encephalopathy, 33; Intellectual developmental disorder, autosomal dominant 38. Last evaluated: 2021-06-04. Review status: criteria provided, single submitter. Criteria: NYGC Assertion Criteria 2020. Collection method: clinical testing. Allele origin: inherited. Observed: 1 heterozygote. Study: CSER-NYCKidSeq.
Comment: The inherited heterozygous c.653G>A (p.Arg218His) missense variant identified in the EEF1A2 gene has not been reported in affected individuals in the literature. The variant has 0.00001315 allele frequency in the gnomAD(v3) database (2 out of 152086 heterozygous alleles, no homozygotes) suggesting it is not a common benign variant in the populations represented in that database. The variant affects an evolutionarily conserved residue. In silico tools provide conflicting predictions about potential pathogenicity of this variant (CADD score = 23.1, REVEL score = 0.225). Based on the available evidence, the inherited heterozygous c.653G>A (p.Arg218His) missense variant identified in the EEF1A2 gene is reported as a variant of uncertain significance.

NM_001958.5(EEF1A2):c.653G>A (p.Arg218His)

Gene: EEF1A2 (eukaryotic translation elongation factor 1 alpha 2; minus strand). Cytogenetic location: 20q13.33.
Variant type: single nucleotide variant.
Coding change: c.653G>A on transcript NM_001958.5 (MANE Select); coding-DNA position 653, G replaced by A.
Protein change: p.Arg218His; replaces arginine 218 with histidine.
Molecular consequence: missense variant.
Genome position (GRCh38, 1-based): chr20:63,493,256, C>T on the plus strand (G>A on the coding strand, the complement: EEF1A2 is on the minus strand). VCF-style: chr20-63493256-C-T. GRCh37 (hg19) VCF-style: chr20-62124609-C-T.
Other names: c.653G>A (NM_001958.3); short protein forms R218H.
Identifiers: ClinVar variation 1679617 (VCV001679617.3), dbSNP rs1459691759, ClinGen allele CA409648838.
Genomic context (GRCh38, chr20:63,493,256, plus strand): 5'-GGGGGCAGGATGGTGTCCAGGGCCTCCAGCAGGGACACGCCGCTTGCGTTGCCCTCCTTA[C>T]GCTCCACCTTCCAGCCCTTGAACCACGGCATCTGGACCAAAGGGAGAAAATCAATCCGTT-3'
Protein context (NP_001949.1, residues 208-228): MPWFKGWKVE[Arg218His]KEGNASGVSL